The following is an entry in ClinVar:

ClinVar aggregate classification (germline): Pathogenic (1 of 4 stars; one submission).

Conditions:
Multiple congenital exostosis (EXT). Also called: Hereditary multiple osteochondromas; MULTIPLE CARTILAGINOUS EXOSTOSES; Multiple exostoses; Hereditary multiple exostoses; Hereditary multiple exostosis; Multiple osteochondromas. Identifiers: Orphanet 321, MedGen C0015306, MONDO:0005508, HP:0002762.

Submission:

Labcorp Genetics (formerly Invitae), Labcorp
Classification: Pathogenic for Multiple congenital exostosis. Last evaluated: 2020-02-02. Review status: criteria provided, single submitter. Criteria: Invitae Variant Classification Sherloc (09022015). Collection method: clinical testing. Allele origin: germline.
Comment: For these reasons, this variant has been classified as Pathogenic. Loss-of-function variants in EXT1 are known to be pathogenic (PMID: 10679937, 11391482, 19810120). This variant has not been reported in the literature in individuals with EXT1-related conditions. This variant is not present in population databases (ExAC no frequency). This sequence change creates a premature translational stop signal (p.Asn229Lysfs*3) in the EXT1 gene. It is expected to result in an absent or disrupted protein product.

Literature cited by the submitters: PubMed 10679937; PubMed 11391482; PubMed 19810120.

NM_000127.3(EXT1):c.686dup (p.Asn229fs)

Gene: EXT1 (exostosin glycosyltransferase 1; minus strand). Cytogenetic location: 8q24.11.
Variant type: Duplication.
Coding change: c.686dup on transcript NM_000127.3 (MANE Select); coding-DNA position 686, one base duplicated (A; older notation c.686dupA).
Protein change: p.Asn229fs; shifts the reading frame from asparagine 229.
Molecular consequence: frameshift variant.
Genome position (GRCh38, 1-based): chr8:118,110,361, T duplicated on the plus strand (A on the coding strand, the reverse complement: EXT1 is on the minus strand); the first of 2 consecutive T bases (chr8:118,110,361-118,110,362); duplicating either gives the same sequence. VCF-style (leftmost placement, unchanged base first): chr8-118110360-G-GT. GRCh37 (hg19) VCF-style: chr8-119122599-G-GT.
Other names: short protein forms N229fs.
Identifiers: ClinVar variation 964554 (VCV000964554.7), dbSNP rs1817873443, ClinGen allele CA1139660745.